The following is an entry in ClinVar:

ClinVar aggregate classification (germline): Likely benign (0 of 4 stars; one submission).

Conditions:
IRF2BPL-related disorder. Also called: IRF2BPL-related condition. Identifiers: MedGen CN381093.

Allele frequency attached by ClinVar (database versions not stated): gnomAD 0.00001; TOPMed 0.00001; ExAC 0.00001.

Submission:

PreventionGenetics, part of Exact Sciences
Classification: Likely benign for IRF2BPL-related condition. Last evaluated: 2019-04-11. Review status: no assertion criteria provided. Collection method: clinical testing. Allele origin: germline.
Comment: This variant is classified as likely benign based on ACMG/AMP sequence variant interpretation guidelines (Richards et al. 2015 PMID: 25741868, with internal and published modifications).

NM_024496.4(IRF2BPL):c.2100A>G (p.Gln700=)

Gene: IRF2BPL (interferon regulatory factor 2 binding protein like; minus strand). Cytogenetic location: 14q24.3.
Variant type: single nucleotide variant.
Coding change: c.2100A>G on transcript NM_024496.4 (MANE Select); coding-DNA position 2100, A replaced by G.
Protein change: p.Gln700=; no amino-acid change (glutamine 700 retained).
Molecular consequence: synonymous variant.
Genome position (GRCh38, 1-based): chr14:77,025,693, T>C on the plus strand (A>G on the coding strand, the complement: IRF2BPL is on the minus strand). VCF-style: chr14-77025693-T-C. GRCh37 (hg19) VCF-style: chr14-77492036-T-C.
Identifiers: ClinVar variation 3058779 (VCV003058779.2), dbSNP rs749364236, ClinGen allele CA7283536.